The following is an entry in ClinVar:

ClinVar aggregate classification (germline): Uncertain significance (1 of 4 stars; one submission).

Conditions:
Neuropathy, hereditary sensory, type 1F. Also called: HSN IF; Hereditary sensory neuropathy type IF. Identifiers: Orphanet 36386, MedGen C3810194, MONDO:0014286, OMIM 615632.

Allele frequency attached by ClinVar (database versions not stated): gnomAD exomes 0.00001; TOPMed 0.00001.
gnomAD v4.1: 8 of 1,613,996 alleles (0.0005%); highest among the groups gnomAD compares: Non-Finnish European, 0.00068%; no homozygotes.

Submission:

Labcorp Genetics (formerly Invitae), Labcorp
Classification: Uncertain significance for Neuropathy, hereditary sensory, type 1F. Last evaluated: 2021-05-20. Review status: criteria provided, single submitter. Criteria: Invitae Variant Classification Sherloc (09022015). Collection method: clinical testing. Allele origin: germline.
Comment: In summary, the available evidence is currently insufficient to determine the role of this variant in disease. Therefore, it has been classified as a Variant of Uncertain Significance. Algorithms developed to predict the effect of missense changes on protein structure and function are either unavailable or do not agree on the potential impact of this missense change (SIFT: "Tolerated"; PolyPhen-2: "Probably Damaging"; Align-GVGD: "Class C0"). This variant has not been reported in the literature in individuals with ATL3-related conditions. This variant is not present in population databases (ExAC no frequency). This sequence change replaces arginine with glutamine at codon 56 of the ATL3 protein (p.Arg56Gln). The arginine residue is highly conserved and there is a small physicochemical difference between arginine and glutamine.

NM_015459.5(ATL3):c.167G>A (p.Arg56Gln)

Gene: ATL3 (atlastin GTPase 3; minus strand). Cytogenetic location: 11q13.1.
Variant type: single nucleotide variant.
Coding change: c.167G>A on transcript NM_015459.5 (MANE Select); coding-DNA position 167, G replaced by A.
Protein change: p.Arg56Gln; replaces arginine 56 with glutamine.
Molecular consequence: missense variant.
Genome position (GRCh38, 1-based): chr11:63,659,132, C>T on the plus strand (G>A on the coding strand, the complement: ATL3 is on the minus strand). VCF-style: chr11-63659132-C-T. GRCh37 (hg19) VCF-style: chr11-63426604-C-T.
Other names: c.113G>A, p.Arg38Gln (NM_001290048.2); short protein forms R38Q, R56Q.
Identifiers: ClinVar variation 1389190 (VCV001389190.8), dbSNP rs1555056736, ClinGen allele CA381030933.